The following is an entry in ClinVar:

NM_201384.3(PLEC):c.12682T>C (p.Ser4228Pro)

Gene: PLEC (plectin; minus strand). Cytogenetic location: 8q24.3.
Variant type: single nucleotide variant.
Coding change: c.12682T>C on transcript NM_201384.3 (MANE Select); coding-DNA position 12682, T replaced by C.
Protein change: p.Ser4228Pro; replaces serine 4228 with proline.
Molecular consequence: missense variant.
Genome position (GRCh38, 1-based): chr8:143,917,139, A>G on the plus strand (T>C on the coding strand, the complement: PLEC is on the minus strand). VCF-style: chr8-143917139-A-G. GRCh37 (hg19) VCF-style: chr8-144991307-A-G.
Other names: c.12763T>C, p.Ser4255Pro (NM_000445.5); c.9382T>C, p.Ser3128Pro (NM_001410941.1); c.12640T>C, p.Ser4214Pro (NM_201378.4); c.12616T>C, p.Ser4206Pro (NM_201379.3); c.13093T>C, p.Ser4365Pro (NM_201380.4); c.12586T>C, p.Ser4196Pro (NM_201381.3); c.12682T>C, p.Ser4228Pro (NM_201382.4); c.12694T>C, p.Ser4232Pro (NM_201383.3); short protein forms S3128P, S4196P, S4206P, S4214P, S4228P, S4232P, S4255P, S4365P.
Identifiers: ClinVar variation 3756333 (VCV003756333.2).

ClinVar aggregate classification (germline): Uncertain significance (1 of 4 stars; one submission).

Conditions:
Epidermolysis bullosa simplex with nail dystrophy (EBS5D). Identifiers: MedGen C4225309, MONDO:0014661, OMIM 616487.
Epidermolysis bullosa simplex, Ogna type (EBS5A). Also called: Pidermolysis bullosa simplex 5A, Ogna type; EPIDERMOLYSIS BULLOSA SIMPLEX 5A, OGNA TYPE. Identifiers: Orphanet 79401, MedGen C0432317, MONDO:0007555, OMIM 131950.
Autosomal recessive limb-girdle muscular dystrophy type 2Q (LGMDR17). Also called: MUSCULAR DYSTROPHY, LIMB-GIRDLE, AUTOSOMAL RECESSIVE 17. Identifiers: Orphanet 254361, MedGen C3150989, MONDO:0013390, OMIM 613723.
Epidermolysis bullosa simplex 5B, with muscular dystrophy (EBS5B). Also called: EPIDERMOLYSIS BULLOSA SIMPLEX AND LIMB-GIRDLE MUSCULAR DYSTROPHY; Epidermolysis bullosa simplex with muscular dystrophy. Identifiers: Orphanet 257, MedGen C2931072, MONDO:0009181, OMIM 226670.
Epidermolysis bullosa simplex 5C, with pyloric atresia (EBS5C). Also called: PLEC-Related Epidermolysis Bullosa with Pyloric Atresia; Epidermolysis bullosa simplex with pyloric atresia; PLEC1-Related Epidermolysis Bullosa with Pyloric Atresia. Identifiers: Orphanet 158684, MedGen C2677349, MONDO:0012807, OMIM 612138.

Submission:

Labcorp Genetics (formerly Invitae), Labcorp
Classification: Uncertain significance for Autosomal recessive limb-girdle muscular dystrophy type 2Q; Epidermolysis bullosa simplex, Ogna type; Epidermolysis bullosa simplex with nail dystrophy; Epidermolysis bullosa simplex 5C, with pyloric atresia; Epidermolysis bullosa simplex 5B, with muscular dystrophy. Last evaluated: 2024-05-19. Review status: criteria provided, single submitter. Criteria: Invitae Variant Classification Sherloc (09022015). Collection method: clinical testing. Allele origin: germline.
Comment: This sequence change replaces serine, which is neutral and polar, with proline, which is neutral and non-polar, at codon 4255 of the PLEC protein (p.Ser4255Pro). This variant is not present in population databases (gnomAD no frequency). This variant has not been reported in the literature in individuals affected with PLEC-related conditions. Advanced modeling of protein sequence and biophysical properties (such as structural, functional, and spatial information, amino acid conservation, physicochemical variation, residue mobility, and thermodynamic stability) performed at Invitae indicates that this missense variant is not expected to disrupt PLEC protein function with a negative predictive value of 80%. In summary, the available evidence is currently insufficient to determine the role of this variant in disease. Therefore, it has been classified as a Variant of Uncertain Significance.